The following is an entry in ClinVar:

ClinVar aggregate classification (germline): Uncertain significance (1 of 4 stars; one submission).

Conditions:
NSD1-related disorder. Also called: NSD1-related condition.

gnomAD v4.1: 1 of 1,614,086 alleles (0.000062%); highest among the groups gnomAD compares: African/African-American, 0.0013%; no homozygotes.

Submission:

PreventionGenetics, part of Exact Sciences
Classification: Uncertain significance for NSD1-related condition. Last evaluated: 2025-05-14. Review status: criteria provided, single submitter. Criteria: ACMG Guidelines, 2015. Collection method: clinical testing. Allele origin: germline.
Comment: The NSD1 c.7270G>A variant is predicted to result in the amino acid substitution p.Val2424Ile. To our knowledge, this variant has not been reported in the literature or in a large population database (gnomAD), indicating this variant is rare. At this time, the clinical significance of this variant is uncertain due to the absence of conclusive functional and genetic evidence.

NM_022455.5(NSD1):c.7270G>A (p.Val2424Ile)

Gene: NSD1 (nuclear receptor binding SET domain protein 1; plus strand). Cytogenetic location: 5q35.3.
Variant type: single nucleotide variant.
Coding change: c.7270G>A on transcript NM_022455.5 (MANE Select); coding-DNA position 7270, G replaced by A.
Protein change: p.Val2424Ile; replaces valine 2424 with isoleucine.
Molecular consequence: missense variant.
Genome position (GRCh38, 1-based): chr5:177,294,638, G>A. VCF-style: chr5-177294638-G-A. GRCh37 (hg19) VCF-style: chr5-176721639-G-A.
Other names: c.6397G>A, p.Val2133Ile (NM_001365684.2, NM_001409308.1, NM_172349.5); c.7270G>A, p.Val2424Ile (NM_001409301.1, NM_001409302.1, NM_001409303.1); c.6850G>A, p.Val2284Ile (NM_001409304.1); c.6517G>A, p.Val2173Ile (NM_001409305.1); c.6508G>A, p.Val2170Ile (NM_001409306.1, NM_001409307.1); c.6148G>A, p.Val2050Ile (NM_001409309.1); short protein forms V2050I, V2173I, V2133I, V2170I, V2424I, V2284I.
Identifiers: ClinVar variation 5001688 (VCV005001688.1).